The following is an entry in ClinVar:

ClinVar aggregate classification (germline): Likely pathogenic (1 of 4 stars; one submission).

Allele frequency attached by ClinVar (database versions not stated): ExAC 0.00007; gnomAD exomes 0.00005; gnomAD 0.00001.
gnomAD v4.1: 44 of 1,585,896 alleles (0.0028%); highest among the groups gnomAD compares: South Asian, 0.043%; no homozygotes.

Submission:

GeneDx
Classification: Likely pathogenic. Last evaluated: 2016-03-30. Review status: criteria provided, single submitter. Criteria: GeneDx Variant Classification (06012015). Collection method: clinical testing. Allele origin: germline. Affected: yes.
Comment: The c.157+1 G>A splice site variant in the COX20 gene destroys the canonical splice donor site in intron 2. It is predicted to cause abnormal gene splicing, either leading to an abnormal message that is subject to nonsense-mediated mRNA decay, or to an abnormal protein product if the message is used for protein translation. Although this variant has not been previously reported to our knowledge, it is predicted to be a likely pathogenic variant.

NM_198076.6(COX20):c.157+1G>A

Gene: COX20 (cytochrome c oxidase assembly factor COX20; plus strand). Cytogenetic location: 1q44.
Variant type: single nucleotide variant.
Coding change: c.157+1G>A on transcript NM_198076.6 (MANE Select); the canonical splice donor site of the intron after coding-DNA position 157, G replaced by A.
Molecular consequence: splice donor variant. On other transcripts: intron variant (1).
Genome position (GRCh38, 1-based): chr1:244,842,059, G>A. VCF-style: chr1-244842059-G-A. GRCh37 (hg19) VCF-style: chr1-245005361-G-A.
Other names: c.157+1G>A (NM_001312871.1, NM_001312874.1); c.193+1G>A (NM_001312872.1); c.23-136G>A (NM_001312873.1).
Identifiers: ClinVar variation 432104 (VCV000432104.2), dbSNP rs749171144, ClinGen allele CA1486101.
Genomic context (GRCh38, chr1:244,842,059, plus strand): 5'-CAATATTGTATGGTTCATTAGGATCTGTTGTGGCTGGCTTTGGACATTTTTTGTTCACTA[G>A]TGAGTATCTGTATTTTTTATTTCTCTATGTACTAAAAAAAGCATTTCTCTACATAATGAA-3'